The following is an entry in ClinVar:

ClinVar aggregate classification (germline): Pathogenic. Review status: criteria provided, multiple submitters, no conflicts (2 of 4 stars). 2 submissions from 2 submitters: Pathogenic (2). Last evaluated 2025-04-07.

Conditions:
Treacher Collins syndrome 1 (TCS1). Also called: TCOF1-Related Treacher Collins Syndrome. Identifiers: Orphanet 861, MedGen CN315775, MONDO:0007944, OMIM 154500.

Submissions (2):

Labcorp Genetics (formerly Invitae), Labcorp
Classification: Pathogenic for Treacher Collins syndrome 1. Last evaluated: 2025-04-07. Review status: criteria provided, single submitter. Criteria: Invitae Variant Classification Sherloc (09022015). Collection method: clinical testing. Allele origin: germline.
Comment: This sequence change creates a premature translational stop signal (p.Arg660*) in the TCOF1 gene. It is expected to result in an absent or disrupted protein product. Loss-of-function variants in TCOF1 are known to be pathogenic (PMID: 8894686, 22317976). This variant is not present in population databases (gnomAD no frequency). This premature translational stop signal has been observed in individual(s) with Treacher Collins syndrome (PMID: 15759264). This variant is also known as nt1747C > T, stop at 583 aa. ClinVar contains an entry for this variant (Variation ID: 2663050). For these reasons, this variant has been classified as Pathogenic.

GeneDx
Classification: Pathogenic. Last evaluated: 2023-04-25. Review status: criteria provided, single submitter. Criteria: GeneDx Variant Classification Process June 2021. Collection method: clinical testing. Allele origin: germline. Affected: yes.
Comment: Reported as nt1747C>T due to use of alternate nomenclature in a patient with Treacher Collins syndrome in the literature (Horiuchi et al., 2005); Nonsense variant predicted to result in protein truncation or nonsense mediated decay in a gene for which loss of function is a known mechanism of disease; Not observed at significant frequency in large population cohorts (gnomAD); This variant is associated with the following publications: (PMID: 25525159, 15759264)

Literature cited by the submitters: PubMed 8894686 (cited by Labcorp Genetics (formerly Invitae), Labcorp); PubMed 22317976 (cited by Labcorp Genetics (formerly Invitae), Labcorp); PubMed 15759264 (cited by Labcorp Genetics (formerly Invitae), Labcorp).

NM_001371623.1(TCOF1):c.1978C>T (p.Arg660Ter)

Gene: TCOF1 (treacle ribosome biogenesis factor 1; plus strand). Cytogenetic location: 5q32.
Variant type: single nucleotide variant.
Coding change: c.1978C>T on transcript NM_001371623.1 (MANE Select); coding-DNA position 1978, C replaced by T.
Protein change: p.Arg660Ter; replaces arginine 660 with a stop codon.
Molecular consequence: nonsense.
Genome position (GRCh38, 1-based): chr5:150,376,166, C>T. VCF-style: chr5-150376166-C-T. GRCh37 (hg19) VCF-style: chr5-149755729-C-T.
Other names: c.1747C>T, p.Arg583Ter (NM_000356.4, NM_001135245.2); c.1978C>T, p.Arg660Ter (NM_001008657.3, NM_001135243.2, NM_001135244.2 and 1 more transcripts); short protein forms R583*, R660*.
Identifiers: ClinVar variation 2663050 (VCV002663050.2), dbSNP rs2533510482, ClinGen allele CA361752050.
Genomic context (GRCh38, chr5:150,376,166, plus strand): 5'-CAGACCAAGGCCTGCCCAAAGAAAACCAATACCACTGCATCTGCCAAGGTCGCCCCTGTG[C>T]GAGTGGGCACCCAAGCCCCCCGGAAAGCAGGAACTGCGACTTCTCCAGCAGGCTCATCCC-3'